The following is an entry in ClinVar:

ClinVar aggregate classification (germline): Uncertain significance (1 of 4 stars; one submission).

gnomAD v4.1: 12 of 1,613,948 alleles (0.00074%); highest among the groups gnomAD compares: East Asian, 0.011%; no homozygotes.

Submission:

Ambry Genetics
Classification: Uncertain significance. Last evaluated: 2024-11-10. Review status: criteria provided, single submitter. Criteria: Ambry Variant Classification Scheme 2023. Collection method: clinical testing. Allele origin: germline.
Comment: The c.738C>G (p.S246R) alteration is located in exon (coding exon ) of the SH3RF3 gene. This alteration results from a C to G substitution at nucleotide position 738, causing the serine (S) at amino acid position 246 to be replaced by an arginine (R). Based on insufficient or conflicting evidence, the clinical significance of this alteration remains unclear.

NM_001099289.3(SH3RF3):c.738C>G (p.Ser246Arg)

Genes: RANBP2 (RAN binding protein 2; plus strand), SH3RF3 (SH3 domain containing ring finger 3; plus strand). Cytogenetic location: 2q13.
Variant type: single nucleotide variant.
Coding change: c.738C>G on transcript NM_001099289.3 (MANE Select); coding-DNA position 738, C replaced by G.
Protein change: p.Ser246Arg; replaces serine 246 with arginine.
Molecular consequence: missense variant.
Genome position (GRCh38, 1-based): chr2:109,347,838, C>G. VCF-style: chr2-109347838-C-G. GRCh37 (hg19) VCF-style: chr2-109964294-C-G.
Other names: short protein forms S246R.
Identifiers: ClinVar variation 3441127 (VCV003441127.1).